The following is an entry in ClinVar:

NM_004637.6(RAB7A):c.577G>A (p.Asp193Asn)

Genes: RAB7A (RAB7A, member RAS oncogene family; plus strand), LOC112872299 (Sharpr-MPRA regulatory region 6458; plus strand). Cytogenetic location: 3q21.3.
Variant type: single nucleotide variant.
Coding change: c.577G>A on transcript NM_004637.6 (MANE Select); coding-DNA position 577, G replaced by A.
Protein change: p.Asp193Asn; replaces aspartic acid 193 with asparagine.
Molecular consequence: missense variant.
Genome position (GRCh38, 1-based): chr3:128,813,375, G>A. VCF-style: chr3-128813375-G-A. GRCh37 (hg19) VCF-style: chr3-128532218-G-A.
Other names: short protein forms D193N.
Identifiers: ClinVar variation 464095 (VCV000464095.8), dbSNP rs756968558, ClinGen allele CA2600884.
Genomic context (GRCh38, chr3:128,813,375, plus strand): 5'-TTCCTTGTCCAGGAAACGGAGGTGGAGCTGTACAACGAATTTCCTGAACCTATCAAACTG[G>A]ACAAGAATGACCGGGCCAAGGCCTCGGCAGAAAGCTGCAGTTGCTGAGGGGGCAGTGAGA-3'
Protein context (NP_004628.4, residues 183-203): YNEFPEPIKL[Asp193Asn]KNDRAKASAE

ClinVar aggregate classification (germline): Uncertain significance (1 of 4 stars; one submission).

Conditions:
Charcot-Marie-Tooth disease type 2B (CMT2B). Also called: HEREDITARY MOTOR AND SENSORY NEUROPATHY IIB; CHARCOT-MARIE-TOOTH DISEASE, AXONAL, TYPE 2B; CHARCOT-MARIE-TOOTH DISEASE, AUTOSOMAL DOMINANT, TYPE 2B; Charcot-Marie-Tooth Neuropathy Type 2B. Identifiers: Orphanet 99936, MedGen C1833219, MONDO:0010949, OMIM 600882.

Allele frequency attached by ClinVar (database versions not stated): gnomAD exomes below 0.00001 and 0.00001; gnomAD 0.00002; ExAC 0.00001; TOPMed 0.00002.
gnomAD v4.1: 8 of 1,614,080 alleles (0.0005%); highest among the groups gnomAD compares: African/African-American, 0.004%; no homozygotes.

Submission:

Labcorp Genetics (formerly Invitae), Labcorp
Classification: Uncertain significance for Charcot-Marie-Tooth disease type 2B. Last evaluated: 2022-05-03. Review status: criteria provided, single submitter. Criteria: Invitae Variant Classification Sherloc (09022015). Collection method: clinical testing. Allele origin: germline.
Comment: In summary, the available evidence is currently insufficient to determine the role of this variant in disease. Therefore, it has been classified as a Variant of Uncertain Significance. Algorithms developed to predict the effect of missense changes on protein structure and function (SIFT, PolyPhen-2, Align-GVGD) all suggest that this variant is likely to be tolerated. ClinVar contains an entry for this variant (Variation ID: 464095). This missense change has been observed in individual(s) with clinical features of RAB7A-related conditions (Invitae). This variant is present in population databases (rs756968558, gnomAD 0.008%). This sequence change replaces aspartic acid, which is acidic and polar, with asparagine, which is neutral and polar, at codon 193 of the RAB7A protein (p.Asp193Asn).